The following is an entry in ClinVar:

NM_033004.4(NLRP1):c.707C>A (p.Ala236Glu)

Gene: NLRP1 (NLR family pyrin domain containing 1; minus strand). Cytogenetic location: 17p13.2.
Variant type: single nucleotide variant.
Coding change: c.707C>A on transcript NM_033004.4 (MANE Select); coding-DNA position 707, C replaced by A.
Protein change: p.Ala236Glu; replaces alanine 236 with glutamic acid.
Molecular consequence: missense variant.
Genome position (GRCh38, 1-based): chr17:5,559,989, G>T on the plus strand (C>A on the coding strand, the complement: NLRP1 is on the minus strand). VCF-style: chr17-5559989-G-T. GRCh37 (hg19) VCF-style: chr17-5463309-G-T.
Other names: c.707C>A, p.Ala236Glu (NM_001033053.3, NM_014922.5, NM_033006.4 and 1 more transcripts); short protein forms A236E.
Identifiers: ClinVar variation 1350331 (VCV001350331.8), dbSNP rs755871217, ClinGen allele CA397388198.

ClinVar aggregate classification (germline): Uncertain significance (1 of 4 stars; one submission).

Submission:

Labcorp Genetics (formerly Invitae), Labcorp
Classification: Uncertain significance. Last evaluated: 2020-11-26. Review status: criteria provided, single submitter. Criteria: Invitae Variant Classification Sherloc (09022015). Collection method: clinical testing. Allele origin: germline.
Comment: Algorithms developed to predict the effect of missense changes on protein structure and function (SIFT, PolyPhen-2, Align-GVGD) all suggest that this variant is likely to be tolerated, but these predictions have not been confirmed by published functional studies and their clinical significance is uncertain. In summary, the available evidence is currently insufficient to determine the role of this variant in disease. Therefore, it has been classified as a Variant of Uncertain Significance. This variant has not been reported in the literature in individuals with NLRP1-related conditions. This variant is not present in population databases (ExAC no frequency). This sequence change replaces alanine with glutamic acid at codon 236 of the NLRP1 protein (p.Ala236Glu). The alanine residue is weakly conserved and there is a moderate physicochemical difference between alanine and glutamic acid.